The following is an entry in ClinVar:

NM_001127208.3(TET2):c.2894C>T (p.Thr965Ile)

Genes: TET2 (tet methylcytosine dioxygenase 2; plus strand), TET2-AS1 (TET2 antisense RNA 1; minus strand). Cytogenetic location: 4q24.
Variant type: single nucleotide variant.
Coding change: c.2894C>T on transcript NM_001127208.3 (MANE Select); coding-DNA position 2894, C replaced by T.
Protein change: p.Thr965Ile; replaces threonine 965 with isoleucine.
Molecular consequence: missense variant.
Genome position (GRCh38, 1-based): chr4:105,236,836, C>T. VCF-style: chr4-105236836-C-T. GRCh37 (hg19) VCF-style: chr4-106157993-C-T.
Other names: c.2894C>T, p.Thr965Ile (NM_017628.4); short protein forms T965I.
Identifiers: ClinVar variation 3967468 (VCV003967468.1).

ClinVar aggregate classification (germline): Uncertain significance (1 of 4 stars; one submission).

gnomAD v4.1: 2 of 1,613,982 alleles (0.00012%); highest among the groups gnomAD compares: Non-Finnish European, 0.00017%; no homozygotes.

Submission:

Ambry Genetics
Classification: Uncertain significance. Last evaluated: 2025-03-17. Review status: criteria provided, single submitter. Criteria: Ambry Variant Classification Scheme 2023. Collection method: clinical testing. Allele origin: germline.
Comment: The p.T965I variant (also known as c.2894C>T), located in coding exon 1 of the TET2 gene, results from a C to T substitution at nucleotide position 2894. The threonine at codon 965 is replaced by isoleucine, an amino acid with similar properties. This amino acid position is conserved. In addition, this alteration is predicted to be tolerated by in silico analysis. Based on the available evidence, the clinical significance of this variant remains unclear.